The following is an entry in ClinVar:

ClinVar aggregate classification (germline): Benign/Likely benign. Review status: criteria provided, multiple submitters, no conflicts (2 of 4 stars). 4 submissions from 4 submitters: Benign (1); Likely benign (3). Last evaluated 2026-01-11.

Allele frequency attached by ClinVar (database versions not stated): gnomAD exomes 0.00018 and 0.00029; ExAC 0.00033; gnomAD 0.00123 and 0.00130; TOPMed 0.00129; ESP Exome Variant Server 0.00139; 1000 Genomes Project 0.00140; 1000 Genomes Project 30x 0.00141.
gnomAD v4.1: 440 of 1,614,148 alleles (0.027%); highest among the groups gnomAD compares: African/African-American, 0.47%; no homozygotes.

Submissions (4):

Labcorp Genetics (formerly Invitae), Labcorp
Classification: Benign. Last evaluated: 2026-01-11. Review status: criteria provided, single submitter. Criteria: Invitae Variant Classification Sherloc (09022015). Collection method: clinical testing. Allele origin: germline.

Mayo Clinic Laboratories, Mayo Clinic
Classification: Likely benign. Last evaluated: 2025-09-09. Review status: criteria provided, single submitter. Criteria: ACMG Guidelines, 2015. Collection method: clinical testing. Allele origin: germline. Observed: 1 variant allele.
Comment: BS1, BP4, BP7

Women's Health and Genetics/Laboratory Corporation of America, LabCorp
Classification: Likely benign. Last evaluated: 2024-09-23. Review status: criteria provided, single submitter. Criteria: LabCorp Variant Classification Summary - May 2015. Collection method: clinical testing. Allele origin: germline.

PreventionGenetics, part of Exact Sciences
Classification: Likely benign. Review status: criteria provided, single submitter. Criteria: ACMG Guidelines, 2015. Collection method: clinical testing. Allele origin: germline.

NM_018668.5(VPS33B):c.852+13G>A

Gene: VPS33B (VPS33B late endosome and lysosome associated; minus strand). Cytogenetic location: 15q26.1.
Variant type: single nucleotide variant.
Coding change: c.852+13G>A on transcript NM_018668.5 (MANE Select); 13 bases into the intron after coding-DNA position 852, G replaced by A.
Molecular consequence: intron variant.
Genome position (GRCh38, 1-based): chr15:91,006,359, C>T on the plus strand (G>A on the coding strand, the complement: VPS33B is on the minus strand). VCF-style: chr15-91006359-C-T. GRCh37 (hg19) VCF-style: chr15-91549589-C-T.
Other names: p.?; c.771+13G>A (NM_001289148.1); c.579+13G>A (NM_001289149.1); c.852+13G>A (NM_018668.4).
Identifiers: ClinVar variation 261048 (VCV000261048.8), dbSNP rs188518961, ClinGen allele CA7744897.